The following is an entry in ClinVar:

ClinVar aggregate classification (germline): Likely benign. Review status: criteria provided, single submitter (1 of 4 stars). 2 submissions from 2 submitters: Likely benign (1). 1 of the submissions does not count toward it. Last evaluated 2024-12-25.

Conditions:
Inborn genetic diseases. Identifiers: MedGen C0950123, MeSH D030342.
RECQL4-related disorder. Also called: RECQL4-related disorders; RECQL4-related condition.

gnomAD v4.1: 2 of 1,612,782 alleles (0.00012%); highest among the groups gnomAD compares: South Asian, 0.0022%; no homozygotes.

Submissions (2):

Ambry Genetics
Classification: Likely benign for Inborn genetic diseases. Last evaluated: 2024-12-25. Review status: criteria provided, single submitter. Criteria: Ambry Variant Classification Scheme 2023. Collection method: clinical testing. Allele origin: germline.

PreventionGenetics, part of Exact Sciences
Classification: Likely benign for RECQL4-related condition. Last evaluated: 2023-12-05. Review status: no assertion criteria provided. Collection method: clinical testing. Allele origin: germline. Not counted in ClinVar's aggregate classification.
Comment: This variant is classified as likely benign based on ACMG/AMP sequence variant interpretation guidelines (Richards et al. 2015 PMID: 25741868, with internal and published modifications).

NM_004260.4(RECQL4):c.1336C>T (p.Leu446=)

Gene: RECQL4 (RecQ like helicase 4; minus strand). Cytogenetic location: 8q24.3.
Variant type: single nucleotide variant.
Coding change: c.1336C>T on transcript NM_004260.4 (MANE Select); coding-DNA position 1336, C replaced by T.
Protein change: p.Leu446=; no amino-acid change (leucine 446 retained).
Molecular consequence: synonymous variant. On other transcripts: 5 prime UTR variant (1), non-coding transcript variant (3).
Genome position (GRCh38, 1-based): chr8:144,515,380, G>A on the plus strand (C>T on the coding strand, the complement: RECQL4 is on the minus strand). VCF-style: chr8-144515380-G-A. GRCh37 (hg19) VCF-style: chr8-145740764-G-A.
Other names: c.1240C>T, p.Leu414= (NM_001413017.1, NM_001413020.1); c.1336C>T, p.Leu446= (NM_001413018.1, NM_001413019.1, NM_001413033.1 and 2 more transcripts); c.265C>T, p.Leu89= (NM_001413021.1, NM_001413022.1, NM_001413023.1 and 8 more transcripts); c.1207C>T, p.Leu403= (NM_001413025.1); c.199C>T, p.Leu67= (NM_001413027.1, NM_001413030.1, NM_001413031.1 and 2 more transcripts); c.985C>T, p.Leu329= (NM_001413029.1); c.-132C>T (NM_001413043.1).
Identifiers: ClinVar variation 3044757 (VCV003044757.3), dbSNP rs2538063863, ClinGen allele CA463567190.
Genomic context (GRCh38, chr8:144,515,380, plus strand): 5'-GCTCACCTGCCAACTGCCCTGAGGGCCCCAGGGAGTAGAGTGGCAGCACGGTGGGGTCCA[G>A]GCTGGGCACCTCAGGTACAGGTTGTGGTGAAGGAACCAGTGGCTCAGGCCCAACAGCATC-3'
Protein context (NP_004251.4, residues 436-456): SPQPVPEVPS[Leu446=]DPTVLPLYSL